The following is an entry in ClinVar:

NM_004415.4(DSP):c.5024_5027dup (p.Lys1676fs)

Gene: DSP (desmoplakin; plus strand). Cytogenetic location: 6p24.3.
Variant type: Duplication.
Coding change: c.5024_5027dup on transcript NM_004415.4 (MANE Select); coding-DNA positions 5024 to 5027, 4 bases duplicated (TCAA; older notation c.5024_5027dupTCAA).
Protein change: p.Lys1676fs; shifts the reading frame from lysine 1676.
Molecular consequence: frameshift variant. On other transcripts: intron variant (2).
Genome position (GRCh38, 1-based): chr6:7,581,214-7,581,217, TCAA duplicated. VCF-style (leftmost placement, unchanged base first): chr6-7581213-G-GTCAA. GRCh37 (hg19) VCF-style: chr6-7581446-G-GTCAA.
Other names: c.4050+974_4050+977dup (NM_001319034.2); c.3583-1428_3583-1425dup (NM_001008844.3); short protein forms K1676fs.
Identifiers: ClinVar variation 3382407 (VCV003382407.3).

ClinVar aggregate classification (germline): Likely pathogenic (1 of 4 stars; one submission).

Conditions:
Cardiomyopathy, dilated, with wooly hair, keratoderma, and tooth agenesis. Also called: Cardiomyopathy, dilated, with woolly hair, keratoderma, and tooth agenesis; Erythrokeratodermia-cardiomyopathy syndrome. Identifiers: Orphanet 476096, Orphanet 65282, MedGen C4014393, MONDO:0014355, OMIM 615821.

Submission:

Juno Genomics, Hangzhou Juno Genomics, Inc
Classification: Likely pathogenic for Cardiomyopathy, dilated, with wooly hair, keratoderma, and tooth agenesis. Review status: criteria provided, single submitter. Criteria: ACMG Guidelines, 2015. Collection method: clinical testing. Allele origin: germline.
Comment: Absent from controls (or at extremely low frequency if recessive) in Genome Aggregation Database.;Null variant in a gene where loss of function (LOF) is a known mechanism of disease.